The following is an entry in ClinVar:

ClinVar aggregate classification (germline): Uncertain significance (1 of 4 stars; one submission).

Allele frequency attached by ClinVar (database versions not stated): gnomAD exomes 0.00001; TOPMed 0.00001; ExAC 0.00004.
gnomAD v4.1: 5 of 1,612,982 alleles (0.00031%); highest among the groups gnomAD compares: Admixed American, 0.0083%; no homozygotes.

Submission:

Labcorp Genetics (formerly Invitae), Labcorp
Classification: Uncertain significance. Last evaluated: 2022-10-24. Review status: criteria provided, single submitter. Criteria: Invitae Variant Classification Sherloc (09022015). Collection method: clinical testing. Allele origin: germline.
Comment: In summary, the available evidence is currently insufficient to determine the role of this variant in disease. Therefore, it has been classified as a Variant of Uncertain Significance. Algorithms developed to predict the effect of missense changes on protein structure and function are either unavailable or do not agree on the potential impact of this missense change (SIFT: "Deleterious"; PolyPhen-2: "Benign"; Align-GVGD: "Class C0"). This variant has not been reported in the literature in individuals affected with RBP3-related conditions. This variant is present in population databases (rs782656030, gnomAD 0.01%). This sequence change replaces serine, which is neutral and polar, with asparagine, which is neutral and polar, at codon 522 of the RBP3 protein (p.Ser522Asn).

NM_002900.3(RBP3):c.1565G>A (p.Ser522Asn)

Gene: RBP3 (retinol binding protein 3; plus strand). Cytogenetic location: 10q11.22.
Variant type: single nucleotide variant.
Coding change: c.1565G>A on transcript NM_002900.3 (MANE Select); coding-DNA position 1565, G replaced by A.
Protein change: p.Ser522Asn; replaces serine 522 with asparagine.
Molecular consequence: missense variant.
Genome position (GRCh38, 1-based): chr10:47,350,049, G>A. VCF-style: chr10-47350049-G-A. GRCh37 (hg19) VCF-style: chr10-48389313-C-T.
Other names: short protein forms S522N.
Identifiers: ClinVar variation 1928991 (VCV001928991.5), dbSNP rs782656030, ClinGen allele CA5487491.